The following is an entry in ClinVar:

ClinVar aggregate classification (germline): Pathogenic. Review status: reviewed by expert panel (3 of 4 stars). 3 submissions from 3 submitters: Pathogenic (1). 2 of the submissions do not count toward it. Last evaluated 2024-06-12.

Conditions:
X-linked severe combined immunodeficiency (SCIDX1). Also called: T-B+ severe combined immunodeficiency due to gamma chain deficiency; IMMUNODEFICIENCY 4; X-Linked Combined Immunodeficiency Diseases; SCID, X-LINKED; SEVERE COMBINED IMMUNODEFICIENCY, X-LINKED, T CELL-NEGATIVE, B CELL-POSITIVE, NK CELL-NEGATIVE. Identifiers: Orphanet 276, MedGen C6022468, MONDO:0010315, OMIM 300400. Disease mechanism: loss of function.

Submissions (3):

ClinGen Severe Combined Immunodeficiency Variant Curation Expert Panel, ClinGen
Classification: Pathogenic for X-linked severe combined immunodeficiency. Last evaluated: 2024-06-12. Review status: reviewed by expert panel. Criteria: ClinGen SCID ACMG Specifications IL2RG V1.0.0. Collection method: curation. Allele origin: germline. Inheritance: X-linked inheritance.
Comment: The c.281C>A (p.Ser94Ter) (NM_000206.3) variant in IL2RG is a nonsense variant predicted to cause a premature stop codon in biologically-relevant-exon 3/8 leading to nonsense-mediated decay in a gene in which loss-of-function is an established disease mechanism (PVS1 Met). The variant is absent in gnomAD v4 (PM2_supporting). In summary, this variant meets the criteria to be classified as a Pathogenic variant for X-linked severe combined immunodeficiency due to IL2RG deficiency based on the ACMG/AMP criteria applied, as specified by the ClinGen SCID VCEP: PVS1,PM2_supporting,PP4 (VCEP specifications version 1).

Labcorp Genetics (formerly Invitae), Labcorp
Classification: Pathogenic for X-linked severe combined immunodeficiency. Last evaluated: 2023-04-29. Review status: criteria provided, single submitter. Criteria: Invitae Variant Classification Sherloc (09022015). Collection method: clinical testing. Allele origin: germline. Not counted in ClinVar's aggregate classification.
Comment: ClinVar contains an entry for this variant (Variation ID: 488696). For these reasons, this variant has been classified as Pathogenic. Algorithms developed to predict the effect of sequence changes on RNA splicing suggest that this variant may disrupt the consensus splice site. This premature translational stop signal has been observed in individual(s) with severe combined immunodeficiency (PMID: 23250629). This variant is not present in population databases (gnomAD no frequency). This sequence change creates a premature translational stop signal (p.Ser94*) in the IL2RG gene. It is expected to result in an absent or disrupted protein product. Loss-of-function variants in IL2RG are known to be pathogenic (PMID: 9058718, 10794430).

GeneDx
Classification: Pathogenic. Last evaluated: 2017-06-02. Review status: criteria provided, single submitter. Criteria: GeneDx Variant Classification (06012015). Collection method: clinical testing. Allele origin: germline. Affected: yes. Not counted in ClinVar's aggregate classification.
Comment: The S94X nonsense pathogenic variant in the IL2RG gene has been reported previously in association with X-linked SCID (Yao, et al., 2013). This variant is predicted to cause loss of normal protein function either through protein truncation or nonsense-mediated mRNA decay.

Literature cited by the submitters: PubMed 23250629 (cited by Labcorp Genetics (formerly Invitae), Labcorp); PubMed 9058718 (cited by Labcorp Genetics (formerly Invitae), Labcorp); PubMed 10794430 (cited by Labcorp Genetics (formerly Invitae), Labcorp).

NM_000206.3(IL2RG):c.281C>A (p.Ser94Ter)

Gene: IL2RG (interleukin 2 receptor subunit gamma; minus strand). Cytogenetic location: Xq13.1.
Variant type: single nucleotide variant.
Coding change: c.281C>A on transcript NM_000206.3 (MANE Select); coding-DNA position 281, C replaced by A.
Protein change: p.Ser94Ter; replaces serine 94 with a stop codon.
Molecular consequence: nonsense.
Genome position (GRCh38, 1-based): chrX:71,110,677, G>T on the plus strand (C>A on the coding strand, the complement: IL2RG is on the minus strand). VCF-style: chrX-71110677-G-T. GRCh37 (hg19) VCF-style: chrX-70330527-G-T.
Other names: NM_000206.3(IL2RG):c.281C>A; p.Ser94Ter; short protein forms S94*.
Identifiers: ClinVar variation 488696 (VCV000488696.5), dbSNP rs775704953, ClinGen allele CA413496915.